The following is an entry in ClinVar:

ClinVar aggregate classification (germline): Uncertain significance (1 of 4 stars; one submission).

Conditions:
Early-infantile DEE. Also called: Ohtahara syndrome; Early infantile epileptic encephalopathy with suppression bursts; Early infantile epileptic encephalopathy. Identifiers: Orphanet 1934, MedGen C0393706, MONDO:0800491.

Submission:

Labcorp Genetics (formerly Invitae), Labcorp
Classification: Uncertain significance for Early-infantile DEE. Last evaluated: 2025-01-08. Review status: criteria provided, single submitter. Criteria: Invitae Variant Classification Sherloc (09022015). Collection method: clinical testing. Allele origin: germline.
Comment: This sequence change replaces tyrosine, which is neutral and polar, with asparagine, which is neutral and polar, at codon 1276 of the SCN1A protein (p.Tyr1276Asn). This variant is not present in population databases (gnomAD no frequency). This variant has not been reported in the literature in individuals affected with SCN1A-related conditions. Invitae Evidence Modeling of protein sequence and biophysical properties (such as structural, functional, and spatial information, amino acid conservation, physicochemical variation, residue mobility, and thermodynamic stability) indicates that this missense variant is expected to disrupt SCN1A protein function with a positive predictive value of 95%. In summary, the available evidence is currently insufficient to determine the role of this variant in disease. Therefore, it has been classified as a Variant of Uncertain Significance.

NM_001165963.4(SCN1A):c.3826T>A (p.Tyr1276Asn)

Genes: SCN1A (sodium voltage-gated channel alpha subunit 1; minus strand), LOC102724058 (uncharacterized LOC102724058; plus strand). Cytogenetic location: 2q24.3.
Variant type: single nucleotide variant.
Coding change: c.3826T>A on transcript NM_001165963.4 (MANE Select); coding-DNA position 3826, T replaced by A.
Protein change: p.Tyr1276Asn; replaces tyrosine 1276 with asparagine.
Molecular consequence: missense variant. On other transcripts: non-coding transcript variant (1).
Genome position (GRCh38, 1-based): chr2:166,012,162, A>T on the plus strand (T>A on the coding strand, the complement: SCN1A is on the minus strand). VCF-style: chr2-166012162-A-T. GRCh37 (hg19) VCF-style: chr2-166868672-A-T.
Other names: c.3742T>A, p.Tyr1248Asn (NM_001353957.2, NM_001353958.2, NM_001165964.3); c.3739T>A, p.Tyr1247Asn (NM_001353960.2); c.1384T>A, p.Tyr462Asn (NM_001353961.2); c.3793T>A, p.Tyr1265Asn (NM_006920.6, NM_001353949.2, NM_001353950.2 and 2 more transcripts); c.3826T>A, p.Tyr1276Asn (NM_001202435.3, NM_001353948.2); c.3790T>A, p.Tyr1264Asn (NM_001353954.2, NM_001353955.2); short protein forms Y1265N, Y462N, Y1247N, Y1248N, Y1276N, Y1264N.
Identifiers: ClinVar variation 3670767 (VCV003670767.2).